The following is an entry in ClinVar:

ClinVar aggregate classification (germline): Conflicting classifications of pathogenicity. Review status: criteria provided, conflicting classifications (1 of 4 stars). 8 submissions from 8 submitters: Uncertain significance (6); Likely benign (1). 1 of the submissions does not count toward it. Last evaluated 2026-02-04.

Conditions:
POLE-related disorder. Also called: POLE-related disorders; POLE-related condition.
Facial dysmorphism-immunodeficiency-livedo-short stature syndrome. Also called: Facial dysmorphism, immunodeficiency, livedo, and short stature; FILS syndrome. Identifiers: Orphanet 352712, MedGen C3554576, MONDO:0014058, OMIM 615139.
Colorectal cancer, susceptibility to, 12 (CRCS12). Also called: COLORECTAL CANCER, SUSCEPTIBILITY TO, ON CHROMOSOME 12q24. Identifiers: Orphanet 220460, MedGen C3554460, MONDO:0014038, OMIM 615083.
Intrauterine growth retardation, metaphyseal dysplasia, adrenal hypoplasia congenita, genital anomalies, and immunodeficiency. Also called: IMAGEI SYNDROME. Identifiers: MedGen C5193036, MONDO:0032684, OMIM 618336.
Hereditary cancer-predisposing syndrome. Also called: Hereditary Cancer Syndrome; Hereditary neoplastic syndrome; Neoplastic Syndromes, Hereditary; Tumor predisposition. Identifiers: Orphanet 140162, MedGen C0027672, MeSH D009386, MONDO:0015356.

Allele frequency attached by ClinVar (database versions not stated): gnomAD 0.00001 and 0.00002; TOPMed 0.00004; ExAC 0.00005; 1000 Genomes Project 30x 0.00016; 1000 Genomes Project 0.00020.
gnomAD v4.1: 41 of 1,614,182 alleles (0.0025%); highest among the groups gnomAD compares: East Asian, 0.036%; 1 homozygote.

Submissions (8):

Labcorp Genetics (formerly Invitae), Labcorp
Classification: Uncertain significance. Last evaluated: 2026-02-04. Review status: criteria provided, single submitter. Criteria: Invitae Variant Classification Sherloc (09022015). Collection method: clinical testing. Allele origin: germline.
Comment: This sequence change replaces isoleucine, which is neutral and non-polar, with phenylalanine, which is neutral and non-polar, at codon 238 of the POLE protein (p.Ile238Phe). This variant is present in population databases (rs536684123, gnomAD 0.08%). This missense change has been observed in individual(s) with colorectal cancer (PMID: 31769227). ClinVar contains an entry for this variant (Variation ID: 405711). Invitae Evidence Modeling of protein sequence and biophysical properties (such as structural, functional, and spatial information, amino acid conservation, physicochemical variation, residue mobility, and thermodynamic stability) indicates that this missense variant is not expected to disrupt POLE protein function with a negative predictive value of 80%. In summary, the available evidence is currently insufficient to determine the role of this variant in disease. Therefore, it has been classified as a Variant of Uncertain Significance.

Fulgent Genetics
Classification: Uncertain significance for Colorectal cancer, susceptibility to, 12; Facial dysmorphism-immunodeficiency-livedo-short stature syndrome; Intrauterine growth retardation, metaphyseal dysplasia, adrenal hypoplasia congenita, genital anomalies, and immunodeficiency. Last evaluated: 2024-05-20. Review status: criteria provided, single submitter. Criteria: ACMG Guidelines, 2015. Collection method: clinical testing. Allele origin: germline.

Ambry Genetics
Classification: Likely benign for Hereditary cancer-predisposing syndrome. Last evaluated: 2024-02-27. Review status: criteria provided, single submitter. Criteria: Ambry Variant Classification Scheme 2023. Collection method: clinical testing. Allele origin: germline.

GeneDx
Classification: Uncertain significance. Last evaluated: 2024-02-13. Review status: criteria provided, single submitter. Criteria: GeneDx Variant Classification Process June 2021. Collection method: clinical testing. Allele origin: germline. Affected: yes.
Comment: In silico analysis supports that this missense variant has a deleterious effect on protein structure/function; Observed in an individual with colorectal cancer (PMID: 31769227); This variant is associated with the following publications: (PMID: 31769227, 38201563)

Sema4
Classification: Uncertain significance for Hereditary cancer-predisposing syndrome. Last evaluated: 2021-06-26. Review status: criteria provided, single submitter. Criteria: Sema4 Curation Guidelines. Collection method: curation. Allele origin: germline.
Comment: The POLE c.712A>T (p.I238F) variant has been reported in at least one individual with colorectal cancer (PMID: 31769227). It was observed in 16/18394 chromosomes of the East Asian subpopulation, with no homozygotes, in the large and broad cohorts of the Genome Aggregation Database (PMID: 32461654). The variant has been reported in ClinVar (Variation ID: 405711). In silico tools suggest the impact of the variant on protein function is inconclusive, though these predictions have not been confirmed by functional studies. The evidence is insufficient to meet ACMG/AMP criteria for classifying the variant as benign or pathogenic. Thus, the clinical significance of this variant is currently uncertain.

Department of Pathology and Laboratory Medicine, Sinai Health System
Classification: Uncertain significance for Colorectal cancer, susceptibility to, 12; Facial dysmorphism-immunodeficiency-livedo-short stature syndrome; Intrauterine growth retardation, metaphyseal dysplasia, adrenal hypoplasia congenita, genital anomalies, and immunodeficiency. Last evaluated: 2020-06-12. Review status: criteria provided, single submitter. Criteria: ACMG Guidelines, 2015. Collection method: research. Allele origin: germline.

Quest Diagnostics Nichols Institute San Juan Capistrano
Classification: Uncertain significance. Last evaluated: 2020-01-03. Review status: criteria provided, single submitter. Criteria: Quest Diagnostics criteria. Collection method: clinical testing. Allele origin: unknown.

PreventionGenetics, part of Exact Sciences
Classification: Uncertain significance for POLE-related condition. Last evaluated: 2024-01-06. Review status: no assertion criteria provided. Collection method: clinical testing. Allele origin: germline. Not counted in ClinVar's aggregate classification.
Comment: The POLE c.712A>T variant is predicted to result in the amino acid substitution p.Ile238Phe. This variant was reported in an individual with colorectal cancer (Patient 924 in Figure S2, Chang et al 2020. PubMed ID: 31769227). This variant is reported in 0.087% of alleles in individuals of East Asian descent in gnomAD and is listed in ClinVar as a variant of uncertain significance. At this time, the clinical significance of this variant is uncertain due to the absence of conclusive functional and genetic evidence.

Literature cited by the submitters: PubMed 31769227 (cited by Labcorp Genetics (formerly Invitae), Labcorp and Sema4).

NM_006231.4(POLE):c.712A>T (p.Ile238Phe)

Gene: POLE (DNA polymerase epsilon, catalytic subunit; minus strand). Cytogenetic location: 12q24.33.
Variant type: single nucleotide variant.
Coding change: c.712A>T on transcript NM_006231.4 (MANE Select); coding-DNA position 712, A replaced by T.
Protein change: p.Ile238Phe; replaces isoleucine 238 with phenylalanine.
Molecular consequence: missense variant.
Genome position (GRCh38, 1-based): chr12:132,677,586, T>A on the plus strand (A>T on the coding strand, the complement: POLE is on the minus strand). VCF-style: chr12-132677586-T-A. GRCh37 (hg19) VCF-style: chr12-133254172-T-A.
Other names: short protein forms I238F.
Identifiers: ClinVar variation 405711 (VCV000405711.25), dbSNP rs536684123, ClinGen allele CA6894231.